The following is an entry in ClinVar:

ClinVar aggregate classification (germline): Uncertain significance (1 of 4 stars; one submission).

gnomAD v4.1: 8 of 1,613,752 alleles (0.0005%); highest among the groups gnomAD compares: South Asian, 0.0011%; no homozygotes.

Submission:

Labcorp Genetics (formerly Invitae), Labcorp
Classification: Uncertain significance. Last evaluated: 2025-03-19. Review status: criteria provided, single submitter. Criteria: Invitae Variant Classification Sherloc (09022015). Collection method: clinical testing. Allele origin: germline.
Comment: This sequence change replaces threonine, which is neutral and polar, with methionine, which is neutral and non-polar, at codon 239 of the AXL protein (p.Thr239Met). The frequency data for this variant in the population databases is considered unreliable, as metrics indicate poor data quality at this position in the gnomAD database. This variant has not been reported in the literature in individuals affected with AXL-related conditions. Invitae Evidence Modeling of protein sequence and biophysical properties (such as structural, functional, and spatial information, amino acid conservation, physicochemical variation, residue mobility, and thermodynamic stability) has been performed for this missense variant. However, the output from this modeling did not meet the statistical confidence thresholds required to predict the impact of this variant on AXL protein function. In summary, the available evidence is currently insufficient to determine the role of this variant in disease. Therefore, it has been classified as a Variant of Uncertain Significance.

NM_021913.5(AXL):c.716C>T (p.Thr239Met)

Gene: AXL (AXL receptor tyrosine kinase; plus strand). Cytogenetic location: 19q13.2.
Variant type: single nucleotide variant.
Coding change: c.716C>T on transcript NM_021913.5 (MANE Select); coding-DNA position 716, C replaced by T.
Protein change: p.Thr239Met; replaces threonine 239 with methionine.
Molecular consequence: missense variant. On other transcripts: 5 prime UTR variant (1).
Genome position (GRCh38, 1-based): chr19:41,231,231, C>T. VCF-style: chr19-41231231-C-T. GRCh37 (hg19) VCF-style: chr19-41737136-C-T.
Other names: c.-89C>T (NM_001278599.2); c.716C>T, p.Thr239Met (NM_001699.6); short protein forms T239M.
Identifiers: ClinVar variation 4697880 (VCV004697880.1).